The following is an entry in ClinVar:

ClinVar aggregate classification (germline): Uncertain significance (1 of 4 stars; one submission).

Allele frequency attached by ClinVar (database versions not stated): ExAC 0.00002; TOPMed 0.00004; gnomAD 0.00007.
gnomAD v4.1: 11 of 1,613,894 alleles (0.00068%); highest among the groups gnomAD compares: African/African-American, 0.013%; no homozygotes.

Submission:

Labcorp Genetics (formerly Invitae), Labcorp
Classification: Uncertain significance. Last evaluated: 2025-05-27. Review status: criteria provided, single submitter. Criteria: Invitae Variant Classification Sherloc (09022015). Collection method: clinical testing. Allele origin: germline.
Comment: This sequence change replaces lysine, which is basic and polar, with arginine, which is basic and polar, at codon 181 of the FMN1 protein (p.Lys181Arg). This variant is present in population databases (rs763672615, gnomAD 0.01%). This variant has not been reported in the literature in individuals affected with FMN1-related conditions. ClinVar contains an entry for this variant (Variation ID: 2900875). Experimental studies and prediction algorithms are not available or were not evaluated, and the functional significance of this variant is currently unknown. In summary, the available evidence is currently insufficient to determine the role of this variant in disease. Therefore, it has been classified as a Variant of Uncertain Significance.

NM_001277313.2(FMN1):c.2044-2269A>G

Gene: FMN1 (formin 1; minus strand). Cytogenetic location: 15q13.3.
Variant type: single nucleotide variant.
Coding change: c.2044-2269A>G on transcript NM_001277313.2 (MANE Select); 2269 bases into the intron before coding-DNA position 2044, A replaced by G.
Molecular consequence: intron variant. On other transcripts: missense variant (1).
Genome position (GRCh38, 1-based): chr15:33,067,343, T>C on the plus strand (A>G on the coding strand, the complement: FMN1 is on the minus strand). VCF-style: chr15-33067343-T-C. GRCh37 (hg19) VCF-style: chr15-33359544-T-C.
Other names: c.542A>G, p.Lys181Arg (NM_001103184.4); short protein forms K181R.
Identifiers: ClinVar variation 2900875 (VCV002900875.3), dbSNP rs763672615, ClinGen allele CA7457322.
Genomic context (GRCh38, chr15:33,067,343, plus strand): 5'-AGCTCTGCACCATTCATTTCCCCAGTGACAGTATTTTCCCTGAAACCTCCTGGGTTTTCT[T>C]TGGACTCCTGAGATGGCTCAGATAAAACACCACTAGGGGACTTTGGGCCATTGGTGCTGC-3'